The following is an entry in ClinVar:

NM_016239.4(MYO15A):c.1562del (p.Pro521fs)

Gene: MYO15A (myosin XVA; plus strand). Cytogenetic location: 17p11.2.
Variant type: Deletion.
Coding change: c.1562del on transcript NM_016239.4 (MANE Select); coding-DNA position 1562, one base deleted (C; older notation c.1562delC).
Protein change: p.Pro521fs; shifts the reading frame from proline 521.
Molecular consequence: frameshift variant.
Genome position (GRCh38, 1-based): chr17:18,120,362, C deleted; the last of 5 consecutive C bases (chr17:18,120,358-18,120,362); deleting any one gives the same sequence. VCF-style (leftmost placement, unchanged base first): chr17-18120357-GC-G. GRCh37 (hg19) VCF-style: chr17-18023671-GC-G.
Other names: short protein forms P521fs.
Identifiers: ClinVar variation 2959248 (VCV002959248.3), dbSNP rs761219220, ClinGen allele CA8423120.

ClinVar aggregate classification (germline): Pathogenic (1 of 4 stars; one submission).

Submission:

Labcorp Genetics (formerly Invitae), Labcorp
Classification: Pathogenic. Last evaluated: 2023-06-05. Review status: criteria provided, single submitter. Criteria: Invitae Variant Classification Sherloc (09022015). Collection method: clinical testing. Allele origin: germline.
Comment: For these reasons, this variant has been classified as Pathogenic. This sequence change creates a premature translational stop signal (p.Pro521Argfs*108) in the MYO15A gene. It is expected to result in an absent or disrupted protein product. Loss-of-function variants in MYO15A are known to be pathogenic (PMID: 17546645). The frequency data for this variant in the population databases is considered unreliable, as metrics indicate poor data quality at this position in the gnomAD database. This variant has not been reported in the literature in individuals affected with MYO15A-related conditions.

Literature cited by the submitters: PubMed 17546645.